The following is an entry in ClinVar:

NM_001171.6(ABCC6):c.2847C>T (p.Tyr949=)

Gene: ABCC6 (ATP binding cassette subfamily C member 6; minus strand). Cytogenetic location: 16p13.11.
Variant type: single nucleotide variant.
Coding change: c.2847C>T on transcript NM_001171.6 (MANE Select); coding-DNA position 2847, C replaced by T.
Protein change: p.Tyr949=; no amino-acid change (tyrosine 949 retained).
Molecular consequence: synonymous variant. On other transcripts: non-coding transcript variant (1).
Genome position (GRCh38, 1-based): chr16:16,169,794, G>A on the plus strand (C>T on the coding strand, the complement: ABCC6 is on the minus strand). VCF-style: chr16-16169794-G-A. GRCh37 (hg19) VCF-style: chr16-16263651-G-A.
Other names: c.2505C>T, p.Tyr835= (NM_001351800.1); c.2847C>T (NM_001171.5).
Identifiers: ClinVar variation 1555186 (VCV001555186.10), dbSNP rs553008971, ClinGen allele CA7925768.

ClinVar aggregate classification (germline): Likely benign. Review status: criteria provided, multiple submitters, no conflicts (2 of 4 stars). 3 submissions from 3 submitters: Likely benign (3). Last evaluated 2026-05-06.

Conditions:
ABCC6-related disorder. Also called: ABCC6-related condition.

Allele frequency attached by ClinVar (database versions not stated): TOPMed 0.00003; gnomAD 0.00004; 1000 Genomes Project 30x 0.00016; 1000 Genomes Project 0.00020.
gnomAD v4.1: 40 of 1,579,054 alleles (0.0025%); highest among the groups gnomAD compares: African/African-American, 0.011%; no homozygotes.

Submissions (3):

PreventionGenetics, part of Exact Sciences
Classification: Likely benign for ABCC6-related condition. Last evaluated: 2026-05-06. Review status: criteria provided, single submitter. Criteria: ACMG Guidelines, 2015. Collection method: clinical testing. Allele origin: germline.
Comment: This variant is classified as likely benign based on ACMG/AMP sequence variant interpretation guidelines (Richards et al. 2015 PMID: 25741868, with internal and published modifications).

Labcorp Genetics (formerly Invitae), Labcorp
Classification: Likely benign. Last evaluated: 2026-01-02. Review status: criteria provided, single submitter. Criteria: Invitae Variant Classification Sherloc (09022015). Collection method: clinical testing. Allele origin: germline.

Blueprint Genetics
Classification: Likely benign. Last evaluated: 2021-12-01. Review status: criteria provided, single submitter. Criteria: ACMG Guidelines, 2015. Collection method: clinical testing. Allele origin: germline.